The following is an entry in ClinVar:

ClinVar aggregate classification (germline): Uncertain significance (1 of 4 stars; one submission).

Conditions:
Muscular dystrophy-dystroglycanopathy (congenital with brain and eye anomalies), type A14. Also called: Congenital Muscular Dystrophy-Dystroglycanopathy with Brain and Eye Anomalies Type A 14; Congenital muscular dystrophy-dystroglycanopathy with brain and eye anomalies, type A14; Muscular dystrophy-dystroglycanopathy (congenital with brain and eye anomalies), type a, 14; WALKER-WARBURG SYNDROME OR MUSCLE-EYE-BRAIN DISEASE, GMPPB-RELATED. Identifiers: Orphanet 588, MedGen C3809216, MONDO:0014140, OMIM 615350.
Muscular dystrophy-dystroglycanopathy (congenital with impaired intellectual development), type B, 14. Also called: Congenital muscular dystrophy-dystroglycanopathy with mental retardation, type B14; MUSCULAR DYSTROPHY, CONGENITAL, GMPPB-RELATED; Muscular dystrophy-dystroglycanopathy (congenital with intellectual disability), type B14. Identifiers: MedGen C3809221, MONDO:0014141, OMIM 615351.
Autosomal recessive limb-girdle muscular dystrophy type 2T. Also called: Limb-girdle muscular dystrophy-dystroglycanopathy, type C14; Muscular dystrophy-dystroglycanopathy (limb-girdle), type c, 14; MUSCULAR DYSTROPHY-DYSTROGLYCANOPATHY, LIMB-GIRDLE, GMPPB-RELATED; MUSCULAR DYSTROPHY, LIMB-GIRDLE, TYPE 2T. Identifiers: Orphanet 363623, MedGen C4518000, MONDO:0014142, OMIM 615352.

Submission:

Labcorp Genetics (formerly Invitae), Labcorp
Classification: Uncertain significance for Muscular dystrophy-dystroglycanopathy (limb-girdle), type c, 14; Muscular dystrophy-dystroglycanopathy (congenital with brain and eye anomalies), type a, 14; Muscular dystrophy-dystroglycanopathy (congenital with mental retardation), type b, 14. Last evaluated: 2018-05-11. Review status: criteria provided, single submitter. Criteria: Invitae Variant Classification Sherloc (09022015). Collection method: clinical testing. Allele origin: germline.
Comment: This sequence change replaces glycine with glutamic acid at codon 72 of the GMPPB protein (p.Gly72Glu). The glycine residue is highly conserved and there is a moderate physicochemical difference between glycine and glutamic acid. This variant is not present in population databases (ExAC no frequency). This variant has not been reported in the literature in individuals with GMPPB-related disease. Algorithms developed to predict the effect of missense changes on protein structure and function do not agree on the potential impact of this missense change (SIFT: "Deleterious"; PolyPhen-2: "Benign"; Align-GVGD: "Class C65"). In summary, the available evidence is currently insufficient to determine the role of this variant in disease. Therefore, it has been classified as a Variant of Uncertain Significance.

NM_021971.4(GMPPB):c.215G>A (p.Gly72Glu)

Genes: GMPPB (GDP-mannose pyrophosphorylase B; minus strand), LOC129936764 (ATAC-STARR-seq lymphoblastoid active region 19874; plus strand). Cytogenetic location: 3p21.31.
Variant type: single nucleotide variant.
Coding change: c.215G>A on transcript NM_021971.4 (MANE Select); coding-DNA position 215, G replaced by A.
Protein change: p.Gly72Glu; replaces glycine 72 with glutamic acid.
Molecular consequence: missense variant.
Genome position (GRCh38, 1-based): chr3:49,723,298, C>T on the plus strand (G>A on the coding strand, the complement: GMPPB is on the minus strand). VCF-style: chr3-49723298-C-T. GRCh37 (hg19) VCF-style: chr3-49760731-C-T.
Other names: c.215G>A, p.Gly72Glu (NM_013334.4); short protein forms G72E.
Identifiers: ClinVar variation 566118 (VCV000566118.1), dbSNP rs1245162935, ClinGen allele CA352830317.
Genomic context (GRCh38, chr3:49,723,298, plus strand): 5'-TTCTGCCTCTACTGACCTGTCCCCAAAGGCTCCTCTTCATGGGACATGGAGATTCGGATT[C>T]CCAGCTGGAAGGAAGAGGCCCCCCCAGTCAGGTTCTACCAGGATGGGAAGTTGGGCGGGG-3'
Protein context (NP_068806.2, residues 62-82): KEMKAQEQRL[Gly72Glu]IRISMSHEEE